The following is an entry in ClinVar:

NM_006852.6(TLK2):c.2238C>T (p.Asn746=)

Gene: TLK2 (tousled like kinase 2; plus strand). Cytogenetic location: 17q23.2.
Variant type: single nucleotide variant.
Coding change: c.2238C>T on transcript NM_006852.6 (MANE Select); coding-DNA position 2238, C replaced by T.
Protein change: p.Asn746=; no amino-acid change (asparagine 746 retained).
Molecular consequence: synonymous variant.
Genome position (GRCh38, 1-based): chr17:62,612,550, C>T. VCF-style: chr17-62612550-C-T. GRCh37 (hg19) VCF-style: chr17-60689911-C-T.
Other names: c.2304C>T, p.Asn768= (NM_001284333.3); c.2142C>T, p.Asn714= (NM_001284363.1, NM_001375272.1); c.1791C>T, p.Asn597= (NM_001330418.3, NM_001375273.1); c.2280C>T, p.Asn760= (NM_001375269.1); c.2238C>T, p.Asn746= (NM_001375270.1, NM_001375271.1); c.1953C>T, p.Asn651= (NM_001411074.1).
Identifiers: ClinVar variation 2648031 (VCV002648031.24), dbSNP rs769326835, ClinGen allele CA8695140.

ClinVar aggregate classification (germline): Likely benign (1 of 4 stars; one submission).

Allele frequency attached by ClinVar (database versions not stated): gnomAD exomes below 0.00001; ExAC 0.00001.
gnomAD v4.1: 6 of 1,612,920 alleles (0.00037%); highest among the groups gnomAD compares: Non-Finnish European, 0.00042%; no homozygotes.

Submission:

CeGaT Center for Human Genetics Tuebingen
Classification: Likely benign. Last evaluated: 2023-03-01. Review status: criteria provided, single submitter. Criteria: CeGaT Center For Human Genetics Tuebingen Variant Classification Criteria Version 2. Collection method: clinical testing. Allele origin: germline. Affected: yes. Observed: 2 variant alleles.
Comment: TLK2: BP4, BP7